The following is an entry in ClinVar:

ClinVar aggregate classification (germline): Uncertain significance (1 of 4 stars; one submission).

Allele frequency attached by ClinVar (database versions not stated): ExAC 0.00004; gnomAD exomes 0.00001; gnomAD 0.00003; TOPMed 0.00003.
gnomAD v4.1: 16 of 1,609,538 alleles (0.00099%); highest among the groups gnomAD compares: African/African-American, 0.0053%; no homozygotes.

Submission:

Labcorp Genetics (formerly Invitae), Labcorp
Classification: Uncertain significance. Last evaluated: 2022-02-20. Review status: criteria provided, single submitter. Criteria: Invitae Variant Classification Sherloc (09022015). Collection method: clinical testing. Allele origin: germline.
Comment: In summary, the available evidence is currently insufficient to determine the role of this variant in disease. Therefore, it has been classified as a Variant of Uncertain Significance. Algorithms developed to predict the effect of missense changes on protein structure and function are either unavailable or do not agree on the potential impact of this missense change (SIFT: "Deleterious"; PolyPhen-2: "Probably Damaging"; Align-GVGD: "Class C0"). This variant has not been reported in the literature in individuals affected with CARMIL2-related conditions. This variant is present in population databases (rs772527845, gnomAD 0.007%). This sequence change replaces arginine, which is basic and polar, with glutamine, which is neutral and polar, at codon 290 of the CARMIL2 protein (p.Arg290Gln).

NM_001013838.3(CARMIL2):c.869G>A (p.Arg290Gln)

Gene: CARMIL2 (capping protein regulator and myosin 1 linker 2; plus strand). Cytogenetic location: 16q22.1.
Variant type: single nucleotide variant.
Coding change: c.869G>A on transcript NM_001013838.3 (MANE Select); coding-DNA position 869, G replaced by A.
Protein change: p.Arg290Gln; replaces arginine 290 with glutamine.
Molecular consequence: missense variant.
Genome position (GRCh38, 1-based): chr16:67,647,600, G>A. VCF-style: chr16-67647600-G-A. GRCh37 (hg19) VCF-style: chr16-67681503-G-A.
Other names: c.869G>A, p.Arg290Gln (NM_001317026.3); short protein forms R290Q.
Identifiers: ClinVar variation 1981992 (VCV001981992.2), dbSNP rs772527845, ClinGen allele CA8113243.